The following is an entry in ClinVar:

ClinVar aggregate classification (germline): Pathogenic/Likely pathogenic. Review status: criteria provided, multiple submitters, no conflicts (2 of 4 stars). 3 submissions from 3 submitters: Pathogenic (1); Likely pathogenic (2). Last evaluated 2026-05-06.

Conditions:
Dilated cardiomyopathy 1G (CMD1G). Identifiers: Orphanet 154, MedGen C1858763, MONDO:0011400, OMIM 604145.
Autosomal recessive limb-girdle muscular dystrophy type 2J (LGMDR10). Also called: Limb-girdle muscular dystrophy, type 2J; MUSCULAR DYSTROPHY, LIMB-GIRDLE, AUTOSOMAL RECESSIVE 10. Identifiers: Orphanet 140922, MedGen C1837342, MONDO:0012127, OMIM 608807.

Submissions (3):

Greenwood Genetic Center Diagnostic Laboratories, Greenwood Genetic Center
Classification: Likely pathogenic for Dilated cardiomyopathy 1G. Last evaluated: 2026-05-06. Review status: criteria provided, single submitter. Criteria: ACMG Guidelines, 2015. Collection method: clinical testing. Allele origin: germline.
Comment: PVS1_Strong, PM1, PM2

Labcorp Genetics (formerly Invitae), Labcorp
Classification: Likely pathogenic for Dilated cardiomyopathy 1G; Autosomal recessive limb-girdle muscular dystrophy type 2J. Last evaluated: 2023-10-04. Review status: criteria provided, single submitter. Criteria: Invitae Variant Classification Sherloc (09022015). Collection method: clinical testing. Allele origin: germline.
Comment: This sequence change creates a premature translational stop signal (p.Arg17000*) in the TTN gene. While this is not anticipated to result in nonsense mediated decay, it is expected to create a truncated TTN protein. This variant is not present in population databases (gnomAD no frequency). This variant has not been reported in the literature in individuals affected with TTN-related conditions. ClinVar contains an entry for this variant (Variation ID: 1472913). This variant is located in the A band of TTN (PMID: 25589632). Truncating variants in this region are significantly overrepresented in patients affected with dilated cardiomyopathy (PMID: 25589632). Truncating variants in this region have also been reported in individuals affected with autosomal recessive centronuclear myopathy (PMID: 23975875). In summary, the currently available evidence indicates that the variant is pathogenic, but additional data are needed to prove that conclusively. Therefore, this variant has been classified as Likely Pathogenic.

GeneDx
Classification: Pathogenic. Last evaluated: 2023-08-29. Review status: criteria provided, single submitter. Criteria: GeneDx Variant Classification Process June 2021. Collection method: clinical testing. Allele origin: germline. Affected: yes.
Comment: Nonsense variant predicted to result in protein truncation or nonsense mediated decay in a gene for which loss of function is a known mechanism of disease; Located in the A-band region of TTN in which the majority of loss of function variants have been associated with autosomal dominant titinopathies (Herman et al., 2012); Not observed at significant frequency in large population cohorts (gnomAD); Has not been previously published as pathogenic or benign to our knowledge; This variant is associated with the following publications: (PMID: 22335739)

Literature cited by the submitters: PubMed 25589632 (cited by Labcorp Genetics (formerly Invitae), Labcorp); PubMed 23975875 (cited by Labcorp Genetics (formerly Invitae), Labcorp).

NM_001267550.2(TTN):c.50994_50997dup (p.Arg17000Ter)

Genes: TTN (titin; minus strand), TTN-AS1 (TTN antisense RNA 1; plus strand). Cytogenetic location: 2q31.2.
Variant type: Duplication.
Coding change: c.50994_50997dup on transcript NM_001267550.2 (MANE Select); coding-DNA positions 50994 to 50997, 4 bases duplicated (TGAT; older notation c.50994_50997dupTGAT).
Protein change: p.Arg17000Ter; replaces arginine 17000 with a stop codon.
Molecular consequence: nonsense.
Genome position (GRCh38, 1-based): chr2:178,611,132-178,611,135, ATCA duplicated on the plus strand (TGAT on the coding strand, the reverse complement: TTN is on the minus strand). VCF-style (leftmost placement, unchanged base first): chr2-178611131-T-TATCA. GRCh37 (hg19) VCF-style: chr2-179475858-T-TATCA.
Other names: c.50994_50997dup (NM_001267550.1); c.46071_46074dup, p.Arg15359Ter (NM_001256850.1); c.23799_23802dup, p.Arg7935Ter (NM_003319.4); c.43290_43293dup, p.Arg14432Ter (NM_133378.4); c.24174_24177dup, p.Arg8060Ter (NM_133432.3); c.24375_24378dup, p.Arg8127Ter (NM_133437.4); short protein forms R14432*, R15359*, R7935*, R8060*, R8127*, R17000*.
Identifiers: ClinVar variation 1472913 (VCV001472913.8), dbSNP rs1413836585, ClinGen allele CA2573133804.